The following is an entry in ClinVar:

NM_000297.4(PKD2):c.1169G>C (p.Gly390Ala)

Gene: PKD2 (polycystin 2, transient receptor potential cation channel; plus strand). Cytogenetic location: 4q22.1.
Variant type: single nucleotide variant.
Coding change: c.1169G>C on transcript NM_000297.4 (MANE Select); coding-DNA position 1169, G replaced by C.
Protein change: p.Gly390Ala; replaces glycine 390 with alanine.
Molecular consequence: missense variant. On other transcripts: non-coding transcript variant (1).
Genome position (GRCh38, 1-based): chr4:88,043,307, G>C. VCF-style: chr4-88043307-G-C. GRCh37 (hg19) VCF-style: chr4-88964459-G-C.
Other names: short protein forms G390A.
Identifiers: ClinVar variation 3236028 (VCV003236028.1), dbSNP rs2475915717, ClinGen allele CA357615562.

ClinVar aggregate classification (germline): Uncertain significance (1 of 4 stars; one submission).

Conditions:
Polycystic kidney disease 2 (PKD2). Also called: Polycystic Kidney Disease 2, Autosomal Dominant; POLYCYSTIC KIDNEY DISEASE 2 WITH OR WITHOUT POLYCYSTIC LIVER DISEASE; POLYCYSTIC KIDNEY DISEASE, ADULT, TYPE II. Identifiers: MedGen C2751306, MONDO:0013131, OMIM 613095.

Submission:

MVZ Medizinische Genetik Mainz
Classification: Uncertain significance for Polycystic kidney disease 2. Last evaluated: 2022-06-21. Review status: criteria provided, single submitter. Criteria: UK Practice Guidelines For Variant Classification V4 01 2020. Collection method: clinical testing. Allele origin: germline. Inheritance: Autosomal dominant inheritance. Affected: yes. Observed: 1 variant allele.
Comment: ACMG Criteria: PM2_SUP, PM5_SUP, PP3, PP4 (ACMG Version 3)